The following is an entry in ClinVar:

NM_004004.6(GJB2):c.195C>A (p.Tyr65Ter)

Gene: GJB2 (gap junction protein beta 2; minus strand). Cytogenetic location: 13q12.11.
Variant type: single nucleotide variant.
Coding change: c.195C>A on transcript NM_004004.6 (MANE Select); coding-DNA position 195, C replaced by A.
Protein change: p.Tyr65Ter; replaces tyrosine 65 with a stop codon.
Molecular consequence: nonsense.
Genome position (GRCh38, 1-based): chr13:20,189,387, G>T on the plus strand (C>A on the coding strand, the complement: GJB2 is on the minus strand). VCF-style: chr13-20189387-G-T. GRCh37 (hg19) VCF-style: chr13-20763526-G-T.
Other names: c.195C>A (NM_004004.5); short protein forms Y65*.
Identifiers: ClinVar variation 2137460 (VCV002137460.7), dbSNP rs763572195, ClinGen allele CA387461649.

ClinVar aggregate classification (germline): Pathogenic. Review status: criteria provided, multiple submitters, no conflicts (2 of 4 stars). 4 submissions from 4 submitters: Pathogenic (4). Last evaluated 2025-08-25.

Conditions:
Autosomal recessive nonsyndromic hearing loss 1A (DFNB1A). Also called: Connexin 26 deafness; Deafness nonsyndromic, Connexin 26 linked; GJB6-Related DFNB 1 Nonsyndromic Hearing Loss and Deafness; Deafness, autosomal recessive 1A; GJB2-Related Autosomal Recessive Nonsyndromic Hearing Loss; Nonsyndromic Hearing Loss and Deafness, DFNB1. Identifiers: Orphanet 90636, MedGen C2673759, MONDO:0009076, OMIM 220290.
GJB2-related disorder. Also called: GJB2-related condition; GJB2-related disorders. Identifiers: MedGen CN382183, MONDO:1060236.

Submissions (4):

Otogenetics
Classification: Pathogenic for Autosomal recessive nonsyndromic hearing loss 1A. Last evaluated: 2025-08-25. Review status: criteria provided, single submitter. Criteria: ACMG Guidelines, 2015. Collection method: clinical testing. Allele origin: germline.
Comment: PVS1_Strong: Null variant introduces a premature stop codon in a gene with loss of function as mechanism of disease, predicted to remove >10% of protein; PM2: Variant not observed in gnomAD (<0.185% threshold); PP3: In-silico models predict deleterious effect (MutationTaster = 1, BayesDel = 0.43)

Natera, Inc.
Classification: Pathogenic for Autosomal recessive deafness type 1A. Last evaluated: 2025-07-07. Review status: criteria provided, single submitter. Criteria: Natera Variant Classification Schema (03/2026). Collection method: clinical testing. Allele origin: germline.
Comment: The c.195C>A variant in GJB2 is a nonsense variant predicted to introduce a stop codon at amino acid 65. This variant is expected to result in nonsense mediated decay, truncation, or a dysfunctional protein product. This variant is rare in the general population with a frequency below the threshold expected for the associated phenotype(s). This variant has been observed in one or more individuals affected with the associated recessive disease, as either homozygous or compound heterozygous with a second variant (PMID: 20233142). Another variant at this same site results in an alteration predicted to cause a similar molecular effect has been observed in individual(s) with the associated phenotype. Given the available evidence, this variant is classified as Pathogenic.

Greenwood Genetic Center Diagnostic Laboratories, Greenwood Genetic Center
Classification: Pathogenic for GJB2-related disorder. Last evaluated: 2025-06-12. Review status: criteria provided, single submitter. Criteria: ACMG Guidelines, 2015. Collection method: clinical testing. Allele origin: germline. Affected: yes.
Comment: PVS1, PM2, PM3

Labcorp Genetics (formerly Invitae), Labcorp
Classification: Pathogenic. Last evaluated: 2024-09-18. Review status: criteria provided, single submitter. Criteria: Invitae Variant Classification Sherloc (09022015). Collection method: clinical testing. Allele origin: germline.
Comment: This sequence change creates a premature translational stop signal (p.Tyr65*) in the GJB2 gene. While this is not anticipated to result in nonsense mediated decay, it is expected to disrupt the last 162 amino acid(s) of the GJB2 protein. This variant is not present in population databases (gnomAD no frequency). This premature translational stop signal has been observed in individual(s) with deafness (PMID: 9482292, 14722929, 16380907). ClinVar contains an entry for this variant (Variation ID: 2137460). This variant disrupts a region of the GJB2 protein in which other variant(s) (p.Cys211Leufs*5) have been determined to be pathogenic (PMID: 9529365, 12910486, 20863150). This suggests that this is a clinically significant region of the protein, and that variants that disrupt it are likely to be disease-causing. For these reasons, this variant has been classified as Pathogenic.

Literature cited by the submitters: PubMed 20233142 (cited by Natera, Inc.); PubMed 9482292 (cited by Labcorp Genetics (formerly Invitae), Labcorp); PubMed 14722929 (cited by Labcorp Genetics (formerly Invitae), Labcorp); PubMed 16380907 (cited by Labcorp Genetics (formerly Invitae), Labcorp); PubMed 9529365 (cited by Labcorp Genetics (formerly Invitae), Labcorp); PubMed 12910486 (cited by Labcorp Genetics (formerly Invitae), Labcorp); PubMed 20863150 (cited by Labcorp Genetics (formerly Invitae), Labcorp).